The following is an entry in ClinVar:

ClinVar aggregate classification (germline): Uncertain significance. Review status: criteria provided, multiple submitters, no conflicts (2 of 4 stars). 2 submissions from 2 submitters: Uncertain significance (2). Last evaluated 2024-05-09.

Conditions:
Inborn genetic diseases. Identifiers: MedGen C0950123, MeSH D030342.
Cone-rod dystrophy 6 (CORD6). Also called: Cone dystrophy progressive; RETINAL CONE DYSTROPHY 2. Identifiers: Orphanet 1872, MedGen C1866293, MONDO:0011143, OMIM 601777.
Leber congenital amaurosis 1 (LCA1). Also called: AMAUROSIS CONGENITA OF LEBER I; RETINAL BLINDNESS, CONGENITAL; Congenital absence of the rods and cones; Leber's congenital tapetoretinal degeneration; Leber's congenital tapetoretinal dysplasia. Identifiers: Orphanet 65, MedGen C2931258, MONDO:0008764, OMIM 204000.

Allele frequency attached by ClinVar (database versions not stated): ExAC 0.00002.

Submissions (2):

Labcorp Genetics (formerly Invitae), Labcorp
Classification: Uncertain significance for Leber congenital amaurosis 1; Cone-rod dystrophy 6. Last evaluated: 2024-05-09. Review status: criteria provided, single submitter. Criteria: Invitae Variant Classification Sherloc (09022015). Collection method: clinical testing. Allele origin: germline.
Comment: This sequence change replaces glycine, which is neutral and non-polar, with alanine, which is neutral and non-polar, at codon 518 of the GUCY2D protein (p.Gly518Ala). This variant is present in population databases (rs762546467, gnomAD 0.003%). This variant has not been reported in the literature in individuals affected with GUCY2D-related conditions. ClinVar contains an entry for this variant (Variation ID: 2225652). Advanced modeling of protein sequence and biophysical properties (such as structural, functional, and spatial information, amino acid conservation, physicochemical variation, residue mobility, and thermodynamic stability) performed at Invitae indicates that this missense variant is not expected to disrupt GUCY2D protein function with a negative predictive value of 80%. In summary, the available evidence is currently insufficient to determine the role of this variant in disease. Therefore, it has been classified as a Variant of Uncertain Significance.

Ambry Genetics
Classification: Uncertain significance for Inborn genetic diseases. Last evaluated: 2022-10-03. Review status: criteria provided, single submitter. Criteria: Ambry Variant Classification Scheme 2023. Collection method: clinical testing. Allele origin: germline.

NM_000180.4(GUCY2D):c.1553G>C (p.Gly518Ala)

Gene: GUCY2D (guanylate cyclase 2D, retinal; plus strand). Cytogenetic location: 17p13.1.
Variant type: single nucleotide variant.
Coding change: c.1553G>C on transcript NM_000180.4 (MANE Select); coding-DNA position 1553, G replaced by C.
Protein change: p.Gly518Ala; replaces glycine 518 with alanine.
Molecular consequence: missense variant.
Genome position (GRCh38, 1-based): chr17:8,007,515, G>C. VCF-style: chr17-8007515-G-C. GRCh37 (hg19) VCF-style: chr17-7910833-G-C.
Other names: short protein forms G518A.
Identifiers: ClinVar variation 2225652 (VCV002225652.4), dbSNP rs762546467, ClinGen allele CA8365789.
Genomic context (GRCh38, chr17:8,007,515, plus strand): 5'-CCGGCCCCAACAAGATCATCCTGACCGTGGACGACATCACCTTTCTCCACCCACATGGGG[G>C]CACCTCTCGAAAGGTGGGGGAGGCAGAGAGGCAGGAGCCAGTTGTCTTCTTTCCGTAAAT-3'
Protein context (NP_000171.1, residues 508-528): DDITFLHPHG[Gly518Ala]TSRKVAQGSR